The following is an entry in ClinVar:

NM_004727.3(SLC24A1):c.2490C>G (p.Ser830Arg)

Gene: SLC24A1 (solute carrier family 24 member 1; plus strand). Cytogenetic location: 15q22.31.
Variant type: single nucleotide variant.
Coding change: c.2490C>G on transcript NM_004727.3 (MANE Select); coding-DNA position 2490, C replaced by G.
Protein change: p.Ser830Arg; replaces serine 830 with arginine.
Molecular consequence: missense variant.
Genome position (GRCh38, 1-based): chr15:65,650,639, C>G. VCF-style: chr15-65650639-C-G. GRCh37 (hg19) VCF-style: chr15-65942977-C-G.
Other names: c.2490C>G (NM_004727.2); c.471C>G, p.Ser157Arg (NM_001254740.2); c.2490C>G, p.Ser830Arg (NM_001301031.1); c.2436C>G, p.Ser812Arg (NM_001301032.1, NM_001301033.2); short protein forms S812R, S830R, S157R.
Identifiers: ClinVar variation 1346940 (VCV001346940.7), dbSNP rs199960683, ClinGen allele CA7620135.
Genomic context (GRCh38, chr15:65,650,639, plus strand): 5'-TGAGGGTGAAATCCACGCAGAAGATGGTGAAATGAAAGGTAATGAAGGTGAAACTGAAAG[C>G]CAGGAACTCAGTGCTGAAAATCACGGTGAAGCCAAAAATGATGAGAAAGGTGTAGAAGAT-3'
Protein context (NP_004718.1, residues 820-840): EMKGNEGETE[Ser830Arg]QELSAENHGE

ClinVar aggregate classification (germline): Uncertain significance. Review status: criteria provided, multiple submitters, no conflicts (2 of 4 stars). 4 submissions from 4 submitters: Uncertain significance (4). Last evaluated 2026-03-31.

Conditions:
SLC24A1-related disorder. Also called: SLC24A1-related condition.
Inborn genetic diseases. Identifiers: MedGen C0950123, MeSH D030342.

gnomAD v4.1: 102 of 1,549,406 alleles (0.0066%); highest among the groups gnomAD compares: Admixed American, 0.041%; no homozygotes.

Submissions (4):

PreventionGenetics, part of Exact Sciences
Classification: Uncertain significance for SLC24A1-related condition. Last evaluated: 2026-03-31. Review status: criteria provided, single submitter. Criteria: ACMG Guidelines, 2015. Collection method: clinical testing. Allele origin: germline.
Comment: The SLC24A1 c.2490C>G variant is predicted to result in the amino acid substitution p.Ser830Arg. To our knowledge, this variant has not been reported in the literature. This variant is reported in 0.027% of alleles in individuals of Latino descent in gnomAD. At this time, the clinical significance of this variant is uncertain due to the absence of conclusive functional and genetic evidence.

Ambry Genetics
Classification: Uncertain significance for Inborn genetic diseases. Last evaluated: 2024-09-30. Review status: criteria provided, single submitter. Criteria: Ambry Variant Classification Scheme 2023. Collection method: clinical testing. Allele origin: germline.

Blueprint Genetics
Classification: Uncertain significance. Last evaluated: 2024-09-11. Review status: criteria provided, single submitter. Criteria: ACMG Guidelines, 2015. Collection method: clinical testing. Allele origin: germline.

Labcorp Genetics (formerly Invitae), Labcorp
Classification: Uncertain significance. Last evaluated: 2022-07-01. Review status: criteria provided, single submitter. Criteria: Invitae Variant Classification Sherloc (09022015). Collection method: clinical testing. Allele origin: germline.
Comment: This sequence change replaces serine, which is neutral and polar, with arginine, which is basic and polar, at codon 830 of the SLC24A1 protein (p.Ser830Arg). This variant is present in population databases (rs199960683, gnomAD 0.03%). This variant has not been reported in the literature in individuals affected with SLC24A1-related conditions. ClinVar contains an entry for this variant (Variation ID: 1346940). Algorithms developed to predict the effect of missense changes on protein structure and function (SIFT, PolyPhen-2, Align-GVGD) all suggest that this variant is likely to be tolerated. In summary, the available evidence is currently insufficient to determine the role of this variant in disease. Therefore, it has been classified as a Variant of Uncertain Significance.